The following is an entry in ClinVar:

ClinVar aggregate classification (germline): Uncertain significance (1 of 4 stars; one submission).

Conditions:
Inborn genetic diseases. Identifiers: MedGen C0950123, MeSH D030342.

gnomAD v4.1: 1 of 1,613,000 alleles (0.000062%); highest among the groups gnomAD compares: Non-Finnish European, 0.000085%; no homozygotes.

Submission:

Ambry Genetics
Classification: Uncertain significance for Inborn genetic diseases. Last evaluated: 2025-07-12. Review status: criteria provided, single submitter. Criteria: Ambry Variant Classification Scheme 2023. Collection method: clinical testing. Allele origin: germline.
Comment: The p.R1225T variant (also known as c.3674G>C), located in coding exon 14 of the FANCM gene, results from a G to C substitution at nucleotide position 3674. The arginine at codon 1225 is replaced by threonine, an amino acid with similar properties. This amino acid position is conserved. In addition, this alteration is predicted to be tolerated by in silico analysis. Based on the available evidence, the clinical significance of this variant remains unclear.

NM_020937.4(FANCM):c.3674G>C (p.Arg1225Thr)

Gene: FANCM (FA complementation group M; plus strand). Cytogenetic location: 14q21.2.
Variant type: single nucleotide variant.
Coding change: c.3674G>C on transcript NM_020937.4 (MANE Select); coding-DNA position 3674, G replaced by C.
Protein change: p.Arg1225Thr; replaces arginine 1225 with threonine.
Molecular consequence: missense variant.
Genome position (GRCh38, 1-based): chr14:45,176,428, G>C. VCF-style: chr14-45176428-G-C. GRCh37 (hg19) VCF-style: chr14-45645631-G-C.
Other names: c.3596G>C, p.Arg1199Thr (NM_001308133.2); short protein forms R1199T, R1225T.
Identifiers: ClinVar variation 4254590 (VCV004254590.1).